The following is an entry in ClinVar:

NM_020361.5(CPA6):c.786G>T (p.Arg262Ser)

Genes: ARFGEF1-DT (ARFGEF1 divergent transcript; plus strand), CPA6 (carboxypeptidase A6; minus strand). Cytogenetic location: 8q13.2.
Variant type: single nucleotide variant.
Coding change: c.786G>T on transcript NM_020361.5 (MANE Select); coding-DNA position 786, G replaced by T.
Protein change: p.Arg262Ser; replaces arginine 262 with serine.
Molecular consequence: missense variant.
Genome position (GRCh38, 1-based): chr8:67,483,820, C>A on the plus strand (G>T on the coding strand, the complement: CPA6 is on the minus strand). VCF-style: chr8-67483820-C-A. GRCh37 (hg19) VCF-style: chr8-68396055-C-A.
Other names: c.786G>T (NM_020361.4); short protein forms R262S.
Identifiers: ClinVar variation 1047776 (VCV001047776.10), dbSNP rs763794254, ClinGen allele CA4772847.
Genomic context (GRCh38, chr8:67,483,820, plus strand): 5'-AAACTTACCACACCACTTCACTTTCCAGTTTCTATTGGCATCCACTCCACGGCAGCGAAA[C>A]CTTGAGTTCCTTGACCTTGTTTTTCTCCAAAATCGATCCTAGACATAATTAAGAAAACAG-3'
Protein context (NP_065094.3, residues 252-272): FWRKTRSRNS[Arg262Ser]FRCRGVDANR

ClinVar aggregate classification (germline): Uncertain significance. Review status: criteria provided, multiple submitters, no conflicts (2 of 4 stars). 2 submissions from 2 submitters: Uncertain significance (2). Last evaluated 2025-06-15.

Conditions:
Febrile seizures, familial, 11 (FEB11). Also called: CONVULSIONS, FAMILIAL FEBRILE, 11. Identifiers: MedGen C3280734, MONDO:0024566, OMIM 614418.

Allele frequency attached by ClinVar (database versions not stated): TOPMed 0.00017; gnomAD 0.00021 and 0.00024.
gnomAD v4.1: 42 of 1,614,066 alleles (0.0026%); highest among the groups gnomAD compares: African/African-American, 0.053%; no homozygotes.

Submissions (2):

Labcorp Genetics (formerly Invitae), Labcorp
Classification: Uncertain significance for Febrile seizures, familial, 11. Last evaluated: 2025-06-15. Review status: criteria provided, single submitter. Criteria: Invitae Variant Classification Sherloc (09022015). Collection method: clinical testing. Allele origin: germline.
Comment: This sequence change replaces arginine, which is basic and polar, with serine, which is neutral and polar, at codon 262 of the CPA6 protein (p.Arg262Ser). This variant is present in population databases (rs763794254, gnomAD 0.05%), and has an allele count higher than expected for a pathogenic variant. This variant has not been reported in the literature in individuals affected with CPA6-related conditions. ClinVar contains an entry for this variant (Variation ID: 1047776). Invitae Evidence Modeling of protein sequence and biophysical properties (such as structural, functional, and spatial information, amino acid conservation, physicochemical variation, residue mobility, and thermodynamic stability) indicates that this missense variant is not expected to disrupt CPA6 protein function with a negative predictive value of 80%. In summary, the available evidence is currently insufficient to determine the role of this variant in disease. Therefore, it has been classified as a Variant of Uncertain Significance.

Ambry Genetics
Classification: Uncertain significance. Last evaluated: 2023-04-06. Review status: criteria provided, single submitter. Criteria: Ambry Variant Classification Scheme 2023. Collection method: clinical testing. Allele origin: germline.